The following is an entry in ClinVar:

NM_000135.4(FANCA):c.3602A>G (p.Gln1201Arg)

Gene: FANCA (FA complementation group A; minus strand). Cytogenetic location: 16q24.3.
Variant type: single nucleotide variant.
Coding change: c.3602A>G on transcript NM_000135.4 (MANE Select); coding-DNA position 3602, A replaced by G.
Protein change: p.Gln1201Arg; replaces glutamine 1201 with arginine.
Molecular consequence: missense variant.
Genome position (GRCh38, 1-based): chr16:89,744,983, T>C on the plus strand (A>G on the coding strand, the complement: FANCA is on the minus strand). VCF-style: chr16-89744983-T-C. GRCh37 (hg19) VCF-style: chr16-89811391-T-C.
Other names: c.3602A>G, p.Gln1201Arg (NM_001286167.3); short protein forms Q1201R.
Identifiers: ClinVar variation 4619271 (VCV004619271.1).
Genomic context (GRCh38, chr16:89,744,983, plus strand): 5'-TGGGCGGGCACACCCCATCTCACCACCCACACGTACTCGCTGGCAAACTGCCGGCCTTCT[T>C]GTAGCTTCTGCAGTTCCCGGGGCAGCGGGCTCTGGCAGTGTCTCCTCCACCGGCAGAGCA-3'
Protein context (NP_000126.2, residues 1191-1211): SPLPRELQKL[Gln1201Arg]EGRQFASDFL

ClinVar aggregate classification (germline): Uncertain significance (1 of 4 stars; one submission).

Conditions:
Inborn genetic diseases. Identifiers: MedGen C0950123, MeSH D030342.

Submission:

Ambry Genetics
Classification: Uncertain significance for Inborn genetic diseases. Last evaluated: 2025-11-15. Review status: criteria provided, single submitter. Criteria: Ambry Variant Classification Scheme 2023. Collection method: clinical testing. Allele origin: germline.
Comment: The p.Q1201R variant (also known as c.3602A>G), located in coding exon 36 of the FANCA gene, results from an A to G substitution at nucleotide position 3602. The glutamine at codon 1201 is replaced by arginine, an amino acid with highly similar properties. This amino acid position is conserved. In addition, this alteration is predicted to be tolerated by in silico analysis. Based on the available evidence, the clinical significance of this variant remains unclear.